The following is an entry in ClinVar:

NM_001278116.2(L1CAM):c.2138-1G>A

Gene: L1CAM (L1 cell adhesion molecule; minus strand). Cytogenetic location: Xq28.
Variant type: single nucleotide variant.
Coding change: c.2138-1G>A on transcript NM_001278116.2 (MANE Select); the canonical splice acceptor site of the intron before coding-DNA position 2138, G replaced by A.
Molecular consequence: splice acceptor variant.
Genome position (GRCh38, 1-based): chrX:153,867,125, C>T on the plus strand (G>A on the coding strand, the complement: L1CAM is on the minus strand). VCF-style: chrX-153867125-C-T. GRCh37 (hg19) VCF-style: chrX-153132580-C-T.
Other names: c.2123-1G>A (NM_001143963.2); c.2138-1G>A (NM_024003.3, NM_000425.5, NM_001278116.1).
Identifiers: ClinVar variation 4888349 (VCV004888349.1).
Genomic context (GRCh38, chrX:153,867,125, plus strand): 5'-TGACCATATTGGTGGTCTCATTTCCTTCCCCCTTCACATCCACAGGGTTCTTCTCTGGGG[C>T]TGGAAAGGAAAGTATTAACACATCAATGCTGCAGCCTCTTTTGGAGAGCCACGAGGACCG-3'

ClinVar aggregate classification (germline): Likely pathogenic (1 of 4 stars; one submission).

Conditions:
X-linked hydrocephalus syndrome (HYCX). Also called: AQUEDUCTAL STENOSIS, X-LINKED; X-Linked Hydrocephalus with Stenosis of the Aqueduct of Sylvius; X-linked hydrocephalus; X-Linked Hydrocephalus with Stenosis of the Aqueduct of Sylvius (HSAS); HYDROCEPHALUS, CONGENITAL, X-LINKED. Identifiers: Orphanet 2182, MedGen C0265216, MONDO:0010611, OMIM 307000.

Submission:

New York Genome Center
Classification: Likely pathogenic for X-linked hydrocephalus syndrome. Last evaluated: 2023-10-19. Review status: criteria provided, single submitter. Criteria: NYGC Assertion Criteria 2020. Collection method: clinical testing. Allele origin: inherited. Affected: yes. Observed: 1 variant allele, 1 hemizygote.
Comment: The c.2138-1G>A splice-site variant identified in the L1CAM gene has not previously been reported in the literature or public variant repositories (ClinVar and LOVD), and is absent from population databases (gnomAD v2.1.1 and v3.1.2, TOPMed Freeze 8, AllOfUs), suggesting it is not a common benign variant in the populations represented in those databases. The c.2138-1G>splice-sire variant is located in the canonical splice acceptor site following exon 18 of this 28-exon gene and based on in silico predictions (spliceAI=0.99) the variant is presumed to affect mRNA splicing which might result in exon skipping or full/partial intron retention and which might result in loss-of-function either through protein truncation or nonsense-mediated mRNA decay. Although in silico predictions support loss of the acceptor site, there are no functional studies to support or refute these predictions. Based on the available evidence, the c.2138-1G>A splice-site variant identified in the L1CAM gene is reported as Likely Pathogenic.